The following is an entry in ClinVar:

NM_004366.6(CLCN2):c.1969A>C (p.Thr657Pro)

Gene: CLCN2 (chloride voltage-gated channel 2; minus strand). Cytogenetic location: 3q27.1.
Variant type: single nucleotide variant.
Coding change: c.1969A>C on transcript NM_004366.6 (MANE Select); coding-DNA position 1969, A replaced by C.
Protein change: p.Thr657Pro; replaces threonine 657 with proline.
Molecular consequence: missense variant.
Genome position (GRCh38, 1-based): chr3:184,353,309, T>G on the plus strand (A>C on the coding strand, the complement: CLCN2 is on the minus strand). VCF-style: chr3-184353309-T-G. GRCh37 (hg19) VCF-style: chr3-184071097-T-G.
Other names: c.1918A>C, p.Thr640Pro (NM_001171087.3); c.1837A>C, p.Thr613Pro (NM_001171088.3); c.1969A>C, p.Thr657Pro (NM_001171089.3); short protein forms T613P, T640P, T657P.
Identifiers: ClinVar variation 1315588 (VCV001315588.10), dbSNP rs149827415, ClinGen allele CA2733926.

ClinVar aggregate classification (germline): Conflicting classifications of pathogenicity. Review status: criteria provided, conflicting classifications (1 of 4 stars). 3 submissions from 3 submitters: Uncertain significance (2); Likely benign (1). Last evaluated 2025-06-12.

Conditions:
Familial hyperaldosteronism type II. Also called: FH II. Identifiers: Orphanet 404, MedGen C1854107, MONDO:0011576, OMIM 605635.
Leukoencephalopathy with mild cerebellar ataxia and white matter edema (LKPAT). Also called: CLCN2-Related Leukoencephalopathy; Leukoencephalopathy with ataxia; Leukoencephalopathy with white matter edema; Brain white matter edema. Identifiers: Orphanet 363540, MedGen C4554120, MONDO:0014292, OMIM 615651. Disease mechanism: loss of function.
Epilepsy, idiopathic generalized, susceptibility to, 11 (EIG11). Identifiers: Orphanet 307, MedGen C2750893, MONDO:0011875, OMIM 607628.

Allele frequency attached by ClinVar (database versions not stated): ExAC 0.00004; ESP Exome Variant Server 0.00031; TOPMed 0.00036; gnomAD 0.00037 and 0.00041.

Submissions (3):

Labcorp Genetics (formerly Invitae), Labcorp
Classification: Likely benign. Last evaluated: 2025-06-12. Review status: criteria provided, single submitter. Criteria: Invitae Variant Classification Sherloc (09022015). Collection method: clinical testing. Allele origin: germline.

Fulgent Genetics
Classification: Uncertain significance for Familial hyperaldosteronism type II; Epilepsy, idiopathic generalized, susceptibility to, 11; Leukoencephalopathy with mild cerebellar ataxia and white matter edema. Last evaluated: 2024-01-16. Review status: criteria provided, single submitter. Criteria: ACMG Guidelines, 2015. Collection method: clinical testing. Allele origin: germline.

GeneDx
Classification: Uncertain significance. Last evaluated: 2019-05-16. Review status: criteria provided, single submitter. Criteria: GeneDx Variant Classification Process June 2021. Collection method: clinical testing. Allele origin: germline. Affected: yes.
Comment: In silico analysis, which includes protein predictors and evolutionary conservation, supports that this variant does not alter protein structure/function; Has not been previously published as pathogenic or benign to our knowledge